The following is an entry in ClinVar:

ClinVar aggregate classification (germline): Uncertain significance (1 of 4 stars; one submission).

Allele frequency attached by ClinVar (database versions not stated): ESP Exome Variant Server 0.00024.
gnomAD v4.1: 95 of 1,612,176 alleles (0.0059%); highest among the groups gnomAD compares: South Asian, 0.013%; 1 homozygote.

Submission:

Labcorp Genetics (formerly Invitae), Labcorp
Classification: Uncertain significance. Last evaluated: 2025-11-08. Review status: criteria provided, single submitter. Criteria: Invitae Variant Classification Sherloc (09022015). Collection method: clinical testing. Allele origin: germline.
Comment: This sequence change replaces valine, which is neutral and non-polar, with methionine, which is neutral and non-polar, at codon 325 of the ACAN protein (p.Val325Met). This variant is present in population databases (rs200118502, gnomAD 0.01%). This missense change has been observed in individual(s) with clinical features of spondyloepiphyseal dysplasia, Kimberley type (PMID: 30921094). ClinVar contains an entry for this variant (Variation ID: 1389725). Invitae Evidence Modeling of protein sequence and biophysical properties (such as structural, functional, and spatial information, amino acid conservation, physicochemical variation, residue mobility, and thermodynamic stability) indicates that this missense variant is not expected to disrupt ACAN protein function with a negative predictive value of 80%. In summary, the available evidence is currently insufficient to determine the role of this variant in disease. Therefore, it has been classified as a Variant of Uncertain Significance.

Literature cited by the submitters: PubMed 30921094.

NM_001369268.1(ACAN):c.973G>A (p.Val325Met)

Gene: ACAN (aggrecan; plus strand). Cytogenetic location: 15q26.1.
Variant type: single nucleotide variant.
Coding change: c.973G>A on transcript NM_001369268.1 (MANE Select); coding-DNA position 973, G replaced by A.
Protein change: p.Val325Met; replaces valine 325 with methionine.
Molecular consequence: missense variant.
Genome position (GRCh38, 1-based): chr15:88,843,570, G>A. VCF-style: chr15-88843570-G-A. GRCh37 (hg19) VCF-style: chr15-89386801-G-A.
Other names: c.973G>A, p.Val325Met (NM_001135.4, NM_013227.4); short protein forms V325M.
Identifiers: ClinVar variation 1389725 (VCV001389725.8), dbSNP rs200118502, ClinGen allele CA7719412.